The following is an entry in ClinVar:

ClinVar aggregate classification (germline): Uncertain significance (1 of 4 stars; one submission).

Conditions:
Immunodeficiency 104. Also called: SCID, AUTOSOMAL RECESSIVE, T CELL-NEGATIVE, B CELL-POSITIVE, NK CELL-POSITIVE; Severe Combined Immune Deficiency, Autosomal Recessive, TCell -Negative, B Cell-Positive, NK Cell-Positive, IL7R-Related; Severe combined immunodeficiency, autosomal recessive, T cell-negative, B cell-positive, NK cell-positive; IMMUNODEFICIENCY 104, SEVERE COMBINED. Identifiers: MedGen C5676890, MONDO:0012163, OMIM 608971.

Allele frequency attached by ClinVar (database versions not stated): gnomAD exomes below 0.00001.
gnomAD v4.1: 1 of 1,603,548 alleles (0.000062%); highest among the groups gnomAD compares: Non-Finnish European, 0.000085%; no homozygotes.

Submission:

Labcorp Genetics (formerly Invitae), Labcorp
Classification: Uncertain significance for Immunodeficiency 104. Last evaluated: 2022-02-05. Review status: criteria provided, single submitter. Criteria: Invitae Variant Classification Sherloc (09022015). Collection method: clinical testing. Allele origin: germline.
Comment: In summary, the available evidence is currently insufficient to determine the role of this variant in disease. Therefore, it has been classified as a Variant of Uncertain Significance. Algorithms developed to predict the effect of missense changes on protein structure and function output the following: SIFT: "Deleterious"; PolyPhen-2: "Benign"; Align-GVGD: "Class C15". The valine amino acid residue is found in multiple mammalian species, which suggests that this missense change does not adversely affect protein function. ClinVar contains an entry for this variant (Variation ID: 576330). This variant has not been reported in the literature in individuals affected with PTPRC-related conditions. This variant is not present in population databases (gnomAD no frequency). This sequence change replaces methionine, which is neutral and non-polar, with valine, which is neutral and non-polar, at codon 769 of the PTPRC protein (p.Met769Val).

NM_002838.5(PTPRC):c.2305A>G (p.Met769Val)

Gene: PTPRC (protein tyrosine phosphatase receptor type C; plus strand). Cytogenetic location: 1q32.1.
Variant type: single nucleotide variant.
Coding change: c.2305A>G on transcript NM_002838.5 (MANE Select); coding-DNA position 2305, A replaced by G.
Protein change: p.Met769Val; replaces methionine 769 with valine.
Molecular consequence: missense variant.
Genome position (GRCh38, 1-based): chr1:198,735,154, A>G. VCF-style: chr1-198735154-A-G. GRCh37 (hg19) VCF-style: chr1-198704283-A-G.
Other names: c.1822A>G, p.Met608Val (NM_080921.4); short protein forms M769V, M608V.
Identifiers: ClinVar variation 576330 (VCV000576330.8), dbSNP rs1558030527, ClinGen allele CA344048622.